The following is an entry in ClinVar:

NM_199355.4(ADAMTS18):c.946A>T (p.Thr316Ser)

Gene: ADAMTS18 (ADAM metallopeptidase with thrombospondin type 1 motif 18; minus strand). Cytogenetic location: 16q23.1.
Variant type: single nucleotide variant.
Coding change: c.946A>T on transcript NM_199355.4 (MANE Select); coding-DNA position 946, A replaced by T.
Protein change: p.Thr316Ser; replaces threonine 316 with serine.
Molecular consequence: missense variant.
Genome position (GRCh38, 1-based): chr16:77,364,214, T>A on the plus strand (A>T on the coding strand, the complement: ADAMTS18 is on the minus strand). VCF-style: chr16-77364214-T-A. GRCh37 (hg19) VCF-style: chr16-77398111-T-A.
Other names: c.430A>T, p.Thr144Ser (NM_001326358.2); short protein forms T144S, T316S.
Identifiers: ClinVar variation 1480184 (VCV001480184.8), dbSNP rs201198436, ClinGen allele CA396836523.

ClinVar aggregate classification (germline): Uncertain significance (1 of 4 stars; one submission).

Submission:

Labcorp Genetics (formerly Invitae), Labcorp
Classification: Uncertain significance. Last evaluated: 2025-01-06. Review status: criteria provided, single submitter. Criteria: Invitae Variant Classification Sherloc (09022015). Collection method: clinical testing. Allele origin: germline.
Comment: This sequence change replaces threonine, which is neutral and polar, with serine, which is neutral and polar, at codon 316 of the ADAMTS18 protein (p.Thr316Ser). This variant is not present in population databases (gnomAD no frequency). This variant has not been reported in the literature in individuals affected with ADAMTS18-related conditions. ClinVar contains an entry for this variant (Variation ID: 1480184). An algorithm developed to predict the effect of missense changes on protein structure and function (PolyPhen-2) suggests that this variant is likely to be disruptive. In summary, the available evidence is currently insufficient to determine the role of this variant in disease. Therefore, it has been classified as a Variant of Uncertain Significance.